The following is an entry in ClinVar:

NM_183050.4(BCKDHB):c.169C>T (p.Gln57Ter)

Gene: BCKDHB (branched chain keto acid dehydrogenase E1 subunit beta; plus strand). Cytogenetic location: 6q14.1.
Variant type: single nucleotide variant.
Coding change: c.169C>T on transcript NM_183050.4 (MANE Select); coding-DNA position 169, C replaced by T.
Protein change: p.Gln57Ter; replaces glutamine 57 with a stop codon.
Molecular consequence: nonsense. On other transcripts: non-coding transcript variant (1), intron variant (1).
Genome position (GRCh38, 1-based): chr6:80,106,862, C>T. VCF-style: chr6-80106862-C-T. GRCh37 (hg19) VCF-style: chr6-80816579-C-T.
Other names: c.169C>T, p.Gln57Ter (NM_000056.5); c.-15+179C>T (NM_001318975.1); c.169C>T (NM_183050.3); short protein forms Q57*.
Identifiers: ClinVar variation 555903 (VCV000555903.13), dbSNP rs1554181192, ClinGen allele CA364658399.
Genomic context (GRCh38, chr6:80,106,862, plus strand): 5'-CACCCCGCCGCGACTGTCGAGGATGCGGCCCAGAGGCGGCAGGTGGCTCATTTTACTTTC[C>T]AGCCAGATCCGGAGCCCCGGGAGTACGGTGAGCCCTGGGACTGCCCACTCGGTCCCGCTG-3'

ClinVar aggregate classification (germline): Pathogenic/Likely pathogenic. Review status: criteria provided, multiple submitters, no conflicts (2 of 4 stars). 4 submissions from 4 submitters: Pathogenic (2); Likely pathogenic (1). 1 of the submissions does not count toward it. Last evaluated 2025-09-01.

Conditions:
Maple syrup urine disease type 1A (MSUD1A). Also called: MSUD type 1A. Identifiers: MedGen C1855369, MONDO:0023691, OMIM 248600.
Maple syrup urine disease (MSUD). Identifiers: Orphanet 511, MedGen C0024776, MeSH D008375, MONDO:0009563. Disease mechanism: loss of function.

Allele frequency attached by ClinVar (database versions not stated): gnomAD exomes below 0.00001.
gnomAD v4.1: 1 of 1,609,526 alleles (0.000062%); highest among the groups gnomAD compares: South Asian, 0.0011%; no homozygotes.

Submissions (4):

CeGaT Center for Human Genetics Tuebingen
Classification: Pathogenic. Last evaluated: 2025-09-01. Review status: criteria provided, single submitter. Criteria: CeGaT Center For Human Genetics Tuebingen Variant Classification Criteria Version 2. Collection method: clinical testing. Allele origin: germline. Affected: yes. Observed: 1 variant allele.
Comment: BCKDHB: PVS1, PM2, PP4

Labcorp Genetics (formerly Invitae), Labcorp
Classification: Pathogenic for Maple syrup urine disease. Last evaluated: 2023-08-04. Review status: criteria provided, single submitter. Criteria: Invitae Variant Classification Sherloc (09022015). Collection method: clinical testing. Allele origin: germline.
Comment: This variant is not present in population databases (gnomAD no frequency). For these reasons, this variant has been classified as Pathogenic. Algorithms developed to predict the effect of sequence changes on RNA splicing suggest that this variant may create or strengthen a splice site. ClinVar contains an entry for this variant (Variation ID: 555903). This variant has not been reported in the literature in individuals affected with BCKDHB-related conditions. This sequence change creates a premature translational stop signal (p.Gln57*) in the BCKDHB gene. It is expected to result in an absent or disrupted protein product. Loss-of-function variants in BCKDHB are known to be pathogenic (PMID: 16786533, 22593002).

Baylor Genetics
Classification: Likely pathogenic for Maple syrup urine disease type 1A. Last evaluated: 2023-07-24. Review status: criteria provided, single submitter. Criteria: ACMG Guidelines, 2015. Collection method: clinical testing. Allele origin: unknown.

Counsyl
Classification: Likely pathogenic for Maple syrup urine disease type 1A. Last evaluated: 2018-01-02. Review status: no assertion criteria provided. Collection method: clinical testing. Allele origin: unknown. Not counted in ClinVar's aggregate classification.

Literature cited by the submitters: PubMed 16786533 (cited by Labcorp Genetics (formerly Invitae), Labcorp); PubMed 22593002 (cited by Labcorp Genetics (formerly Invitae), Labcorp).